The following is an entry in ClinVar:

ClinVar aggregate classification (germline): Uncertain significance (1 of 4 stars; one submission).

Submission:

Institute for Clinical Genetics, University Hospital TU Dresden, University Hospital TU Dresden
Classification: Uncertain significance. Last evaluated: 2022-07-27. Review status: criteria provided, single submitter. Criteria: ACMG Guidelines, 2015. Collection method: clinical testing. Allele origin: maternal.
Comment: PP3, PM2_SUP

NM_020987.5(ANK3):c.4231C>G (p.Arg1411Gly)

Gene: ANK3 (ankyrin 3; minus strand). Cytogenetic location: 10q21.2.
Variant type: single nucleotide variant.
Coding change: c.4231C>G on transcript NM_020987.5 (MANE Select); coding-DNA position 4231, C replaced by G.
Protein change: p.Arg1411Gly; replaces arginine 1411 with glycine.
Molecular consequence: missense variant.
Genome position (GRCh38, 1-based): chr10:60,082,707, G>C on the plus strand (C>G on the coding strand, the complement: ANK3 is on the minus strand). VCF-style: chr10-60082707-G-C. GRCh37 (hg19) VCF-style: chr10-61842465-G-C.
Other names: c.1633C>G, p.Arg545Gly (NM_001149.4); c.4213C>G, p.Arg1405Gly (NM_001204403.2); c.4234C>G, p.Arg1412Gly (NM_001204404.2); c.4231C>G, p.Arg1411Gly (NM_001320874.2); short protein forms R1405G, R1411G, R1412G, R545G.
Identifiers: ClinVar variation 2576172 (VCV002576172.1), dbSNP rs2492629465, ClinGen allele CA376982437.